The following is an entry in ClinVar:

ClinVar aggregate classification (germline): Uncertain significance (1 of 4 stars; one submission).

Conditions:
RYR1-related disorder. Also called: RYR1-related condition; RYR1-related disorders. Identifiers: MedGen CN239331.

Allele frequency attached by ClinVar (database versions not stated): TOPMed 0.00001.

Submission:

Labcorp Genetics (formerly Invitae), Labcorp
Classification: Uncertain significance for RYR1-related disorder. Last evaluated: 2020-08-24. Review status: criteria provided, single submitter. Criteria: Invitae Variant Classification Sherloc (09022015). Collection method: clinical testing. Allele origin: germline.
Comment: In summary, the available evidence is currently insufficient to determine the role of this variant in disease. Therefore, it has been classified as a Variant of Uncertain Significance. This missense change is located in a region of the RYR1 protein where a significant number of previously reported RYR1 missense mutations are found (PMID: 16084090). These observations suggest that this may be a clinically significant region of the protein. Algorithms developed to predict the effect of missense changes on protein structure and function are either unavailable or do not agree on the potential impact of this missense change (SIFT: "Deleterious"; PolyPhen-2: "Probably Damaging"; Align-GVGD: "Class C0"). This variant has not been reported in the literature in individuals with RYR1-related conditions. This variant is not present in population databases (ExAC no frequency). This sequence change replaces aspartic acid with valine at codon 302 of the RYR1 protein (p.Asp302Val). The aspartic acid residue is highly conserved and there is a large physicochemical difference between aspartic acid and valine.

Literature cited by the submitters: PubMed 16084090.

NM_000540.3(RYR1):c.905A>T (p.Asp302Val)

Gene: RYR1 (ryanodine receptor 1; plus strand). Cytogenetic location: 19q13.2.
Variant type: single nucleotide variant.
Coding change: c.905A>T on transcript NM_000540.3 (MANE Select); coding-DNA position 905, A replaced by T.
Protein change: p.Asp302Val; replaces aspartic acid 302 with valine.
Molecular consequence: missense variant.
Genome position (GRCh38, 1-based): chr19:38,448,459, A>T. VCF-style: chr19-38448459-A-T. GRCh37 (hg19) VCF-style: chr19-38939099-A-T.
Other names: c.905A>T, p.Asp302Val (NM_001042723.2); short protein forms D302V.
Identifiers: ClinVar variation 1025981 (VCV001025981.8), dbSNP rs1966903034, ClinGen allele CA405682060.